The following is an entry in ClinVar:

ClinVar aggregate classification (germline): Benign. Review status: criteria provided, multiple submitters, no conflicts (2 of 4 stars). 4 submissions from 3 submitters: Benign (4). Last evaluated 2019-11-22.

Conditions:
Liddle syndrome 2. Identifiers: MedGen C4748251, MONDO:0020854, OMIM 618114.
Pseudohypoaldosteronism, type IB1, autosomal recessive. Also called: Pseudohypoaldosteronism, Type I, Autosomal Recessive; PHA I, AUTOSOMAL RECESSIVE; Pseudohypoaldosteronism, Type I, Recessive; Autosomal recessive pseudohypoaldosteronism type 1. Identifiers: Orphanet 171876, Orphanet 756, MedGen C5774176, MONDO:0009917, OMIM 264350.

Allele frequency attached by ClinVar (database versions not stated): 1000 Genomes Project 0.15495; 1000 Genomes Project 30x 0.15506; gnomAD exomes 0.18970; TOPMed 0.20669; gnomAD 0.21182 and 0.21904.
gnomAD v4.1: 116,513 of 594,648 alleles (20%); highest among the groups gnomAD compares: African/African-American, 25%; 12,511 homozygotes.

Submissions (4):

GeneDx
Classification: Benign. Last evaluated: 2019-11-22. Review status: criteria provided, single submitter. Criteria: GeneDx Variant Classification Process June 2021. Collection method: clinical testing. Allele origin: germline. Affected: yes.

Illumina Laboratory Services, Illumina
Classification: Benign for Liddle syndrome 2. Last evaluated: 2017-04-27. Review status: criteria provided, single submitter. Criteria: ICSL Variant Classification Criteria 13 December 2019. Collection method: clinical testing. Allele origin: germline.
Comment: This variant was observed as part of a predisposition screen in an ostensibly healthy population. A literature search was performed for the gene, cDNA change, and amino acid change (where applicable). No publications were found based on this search. Allele frequency data from public databases was too high to be consistent with this variant causing disease. Therefore, this variant is classified as benign.

Illumina Laboratory Services, Illumina
Classification: Benign for Pseudohypoaldosteronism, type IB1, autosomal recessive. Last evaluated: 2017-04-27. Review status: criteria provided, single submitter. Criteria: ICSL Variant Classification Criteria 13 December 2019. Collection method: clinical testing. Allele origin: germline.
Comment: the same text as in the submission from Illumina Laboratory Services, Illumina above.

Breakthrough Genomics
Classification: Benign. Review status: criteria provided, single submitter. Criteria: ACMG Guidelines, 2015. Collection method: not provided. Allele origin: germline. Inheritance: Autosomal dominant inheritance. Affected: yes.

NM_001039.4(SCNN1G):c.*236C>T

Gene: SCNN1G (sodium channel epithelial 1 subunit gamma; plus strand). Cytogenetic location: 16p12.2.
Variant type: single nucleotide variant.
Coding change: c.*236C>T on transcript NM_001039.4 (MANE Select); 236 bases downstream of the stop codon, C replaced by T.
Molecular consequence: 3 prime UTR variant.
Genome position (GRCh38, 1-based): chr16:23,215,705, C>T. VCF-style: chr16-23215705-C-T. GRCh37 (hg19) VCF-style: chr16-23227026-C-T.
Identifiers: ClinVar variation 318364 (VCV000318364.7), dbSNP rs5726, ClinGen allele CA10643193.